The following is an entry in ClinVar:

NM_030773.4(TUBB1):c.821C>T (p.Thr274Met)

Gene: TUBB1 (tubulin beta 1 class VI; plus strand). Cytogenetic location: 20q13.32.
Variant type: single nucleotide variant.
Coding change: c.821C>T on transcript NM_030773.4 (MANE Select); coding-DNA position 821, C replaced by T.
Protein change: p.Thr274Met; replaces threonine 274 with methionine.
Molecular consequence: missense variant.
Genome position (GRCh38, 1-based): chr20:59,024,248, C>T. VCF-style: chr20-59024248-C-T. GRCh37 (hg19) VCF-style: chr20-57599303-C-T.
Other names: p.Thr274Met; short protein forms T274M.
Identifiers: ClinVar variation 2038441 (VCV002038441.7), dbSNP rs35565630, ClinGen allele CA9928592.

ClinVar aggregate classification (germline): Benign/Likely benign. Review status: criteria provided, multiple submitters, no conflicts (2 of 4 stars). 4 submissions from 4 submitters: Benign (1); Likely benign (2). 1 of the submissions does not count toward it. Last evaluated 2026-02-02.

Conditions:
TUBB1-related disorder. Also called: TUBB1-related condition.

Allele frequency attached by ClinVar (database versions not stated): 1000 Genomes Project 0.01138; 1000 Genomes Project 30x 0.01140; TOPMed 0.01524; ESP Exome Variant Server 0.01622; gnomAD 0.01710; ExAC 0.01840; gnomAD exomes 0.02061.

Submissions (4):

Labcorp Genetics (formerly Invitae), Labcorp
Classification: Benign. Last evaluated: 2026-02-02. Review status: criteria provided, single submitter. Criteria: Invitae Variant Classification Sherloc (09022015). Collection method: clinical testing. Allele origin: germline.

Mayo Clinic Laboratories, Mayo Clinic
Classification: Likely benign. Last evaluated: 2025-07-30. Review status: criteria provided, single submitter. Criteria: ACMG Guidelines, 2015. Collection method: clinical testing. Allele origin: germline. Observed: 22 variant alleles.

Blueprint Genetics
Classification: Likely benign. Last evaluated: 2024-11-27. Review status: criteria provided, single submitter. Criteria: ACMG Guidelines, 2015. Collection method: clinical testing. Allele origin: germline.

PreventionGenetics, part of Exact Sciences
Classification: Benign for TUBB1-related condition. Last evaluated: 2024-06-16. Review status: no assertion criteria provided. Collection method: clinical testing. Allele origin: germline. Not counted in ClinVar's aggregate classification.
Comment: This variant is classified as benign based on ACMG/AMP sequence variant interpretation guidelines (Richards et al. 2015 PMID: 25741868, with internal and published modifications).